The following is an entry in ClinVar:

ClinVar aggregate classification (germline): Uncertain significance. Review status: criteria provided, multiple submitters, no conflicts (2 of 4 stars). 2 submissions from 2 submitters: Uncertain significance (2). Last evaluated 2024-03-06.

Conditions:
Cardiomyopathy (CMYO). Also called: Cardiomyopathies. Identifiers: Orphanet 167848, MedGen C0878544, MONDO:0004994, HP:0001638. Inheritance: Various modes of inheritance.
Hypertrophic cardiomyopathy. Also called: HYPERTROPHIC MYOCARDIOPATHY. Identifiers: Orphanet 217569, MedGen C0007194, MeSH D002312, MONDO:0005045, HP:0001639.

Submissions (2):

Color Diagnostics, LLC DBA Color Health
Classification: Uncertain significance for Cardiomyopathy. Last evaluated: 2024-03-06. Review status: criteria provided, single submitter. Criteria: ACMG Guidelines, 2015. Collection method: clinical testing. Allele origin: germline.
Comment: This missense variant replaces phenylalanine with leucine at codon 268 of the ACTC1 protein. Computational prediction suggests that this variant may have deleterious impact on protein structure and function (internally defined REVEL score threshold >= 0.7, PMID: 27666373). To our knowledge, functional studies have not been reported for this variant. This variant has not been reported in individuals affected with cardiovascular disorders in the literature. This variant has not been identified in the general population by the Genome Aggregation Database (gnomAD). The available evidence is insufficient to determine the role of this variant in disease conclusively. Therefore, this variant is classified as a Variant of Uncertain Significance.

All of Us Research Program, National Institutes of Health
Classification: Uncertain significance for Hypertrophic cardiomyopathy. Last evaluated: 2022-10-25. Review status: criteria provided, single submitter. Criteria: ACMG Guidelines, 2015. Collection method: clinical testing. Allele origin: germline. Inheritance: Autosomal dominant inheritance. Observed: 1 variant allele, 1 heterozygote.
Comment: This missense variant replaces phenylalanine with leucine at codon 268 of the ACTC1 protein. Computational prediction suggests that this variant may have deleterious impact on protein structure and function (internally defined REVEL score threshold >= 0.7, PMID: 27666373). To our knowledge, functional studies have not been reported for this variant. This variant has not been reported in individuals affected with cardiovascular disorders in the literature. This variant has not been identified in the general population by the Genome Aggregation Database (gnomAD). The available evidence is insufficient to determine the role of this variant in disease conclusively. Therefore, this variant is classified as a Variant of Uncertain Significance.

This study involves interpretation of variants in research participants for the purpose of population health screening. Participant phenotype was not available at the time of variant classification. Additional details can be found in publication PMID: 35346344, PMCID: PMC8962531

NM_005159.5(ACTC1):c.802T>C (p.Phe268Leu)

Genes: ACTC1 (actin alpha cardiac muscle 1; minus strand), GJD2-DT (GJD2 divergent transcript; plus strand). Cytogenetic location: 15q14.
Variant type: single nucleotide variant.
Coding change: c.802T>C on transcript NM_005159.5 (MANE Select); coding-DNA position 802, T replaced by C.
Protein change: p.Phe268Leu; replaces phenylalanine 268 with leucine.
Molecular consequence: missense variant.
Genome position (GRCh38, 1-based): chr15:34,792,096, A>G on the plus strand (T>C on the coding strand, the complement: ACTC1 is on the minus strand). VCF-style: chr15-34792096-A-G. GRCh37 (hg19) VCF-style: chr15-35084297-A-G.
Other names: short protein forms F268L.
Identifiers: ClinVar variation 1171071 (VCV001171071.5), dbSNP rs2140430478, ClinGen allele CA391629698.